The following is an entry in ClinVar:

NM_001111125.3(IQSEC2):c.1042C>T (p.Arg348Cys)

Gene: IQSEC2 (IQ motif and Sec7 domain ArfGEF 2; minus strand). Cytogenetic location: Xp11.22.
Variant type: single nucleotide variant.
Coding change: c.1042C>T on transcript NM_001111125.3 (MANE Select); coding-DNA position 1042, C replaced by T.
Protein change: p.Arg348Cys; replaces arginine 348 with cysteine.
Molecular consequence: missense variant.
Genome position (GRCh38, 1-based): chrX:53,254,889, G>A on the plus strand (C>T on the coding strand, the complement: IQSEC2 is on the minus strand). VCF-style: chrX-53254889-G-A. GRCh37 (hg19) VCF-style: chrX-53284071-G-A.
Other names: c.427C>T, p.Arg143Cys (NM_015075.2); short protein forms R143C, R348C.
Identifiers: ClinVar variation 975867 (VCV000975867.1), dbSNP rs2074443830, ClinGen allele CA413170540.
Genomic context (GRCh38, chrX:53,254,889, plus strand): 5'-CAAAGTTCTTGTTCATGCGGTACTGGCGGAAGGCTGTCTGGATGGTCCTGGCAGCCCTGC[G>A]GCTCAGGAAGGAGCCCCCATACTTCCTCTCCAGCATTTCCACCTGGCAGAGAAGGGTCGA-3'
Protein context (NP_001104595.1, residues 338-358): ERKYGGSFLS[Arg348Cys]RAARTIQTAF

ClinVar aggregate classification (germline): Uncertain significance (1 of 4 stars; one submission).

Conditions:
Intellectual developmental disorder, X-linked 1. Also called: Atkin Flaitz Patil Smith syndrome; MENTAL RETARDATION, X-LINKED 18; MENTAL RETARDATION, X-LINKED 78; Intellectual disability, X-linked 1. Identifiers: Orphanet 777, MedGen C2931498, MONDO:0010656, OMIM 309530.

Submission:

Institute of Human Genetics, University of Leipzig Medical Center
Classification: Uncertain significance for Intellectual developmental disorder, X-linked 1. Last evaluated: 2019-02-04. Review status: criteria provided, single submitter. Criteria: ACMG Guidelines, 2015. Collection method: clinical testing. Allele origin: germline. Affected: yes. Observed: 1 variant allele.
Comment: This variant was identified as hemizygous